The following is an entry in ClinVar:

NM_001292063.2(OTOG):c.8364G>C (p.Leu2788=)

Gene: OTOG (otogelin; plus strand). Cytogenetic location: 11p15.1.
Variant type: single nucleotide variant.
Coding change: c.8364G>C on transcript NM_001292063.2 (MANE Select); coding-DNA position 8364, G replaced by C.
Protein change: p.Leu2788=; no amino-acid change (leucine 2788 retained).
Molecular consequence: synonymous variant.
Genome position (GRCh38, 1-based): chr11:17,642,195, G>C. VCF-style: chr11-17642195-G-C. GRCh37 (hg19) VCF-style: chr11-17663742-G-C.
Other names: p.Leu2800=; c.8400G>C, p.Leu2800= (NM_001277269.2).
Identifiers: ClinVar variation 226919 (VCV000226919.23), dbSNP rs2023483, ClinGen allele CA5906281.

ClinVar aggregate classification (germline): Benign. Review status: criteria provided, multiple submitters, no conflicts (2 of 4 stars). 8 submissions from 8 submitters: Benign (6). 2 of the submissions do not count toward it. Last evaluated 2026-02-04.

Conditions:
Autosomal recessive nonsyndromic hearing loss 18B. Also called: Deafness, autosomal recessive 18b. Identifiers: Orphanet 90636, MedGen C3554163, MONDO:0013985, OMIM 614945.

Allele frequency attached by ClinVar (database versions not stated): gnomAD 0.35618 and 0.35386; ExAC 0.35670; TOPMed 0.34849; 1000 Genomes Project 30x 0.36680; 1000 Genomes Project 0.36621.
gnomAD v4.1: 491,485 of 1,548,636 alleles (32%); highest among the groups gnomAD compares: African/African-American, 51%; 81,754 homozygotes.

Submissions (8):

Labcorp Genetics (formerly Invitae), Labcorp
Classification: Benign. Last evaluated: 2026-02-04. Review status: criteria provided, single submitter. Criteria: Invitae Variant Classification Sherloc (09022015). Collection method: clinical testing. Allele origin: germline.

Genome-Nilou Lab
Classification: Benign for Autosomal recessive nonsyndromic hearing loss 18B. Last evaluated: 2021-05-18. Review status: criteria provided, single submitter. Criteria: ACMG Guidelines, 2015. Collection method: clinical testing. Allele origin: germline. Affected: no.

Mayo Clinic Laboratories, Mayo Clinic
Classification: Benign. Last evaluated: 2020-10-20. Review status: criteria provided, single submitter. Criteria: ACMG Guidelines, 2015. Collection method: clinical testing. Allele origin: germline. Observed: 78 variant alleles.

GeneDx
Classification: Benign. Last evaluated: 2017-05-09. Review status: criteria provided, single submitter. Criteria: GeneDx Variant Classification (06012015). Collection method: clinical testing. Allele origin: germline. Affected: yes.
Comment: This variant is considered likely benign or benign based on one or more of the following criteria: it is a conservative change, it occurs at a poorly conserved position in the protein, it is predicted to be benign by multiple in silico algorithms, and/or has population frequency not consistent with disease.

Laboratory for Molecular Medicine, Mass General Brigham Personalized Medicine
Classification: Benign. Last evaluated: 2014-11-24. Review status: criteria provided, single submitter. Criteria: LMM Criteria. Collection method: clinical testing. Allele origin: germline. Observed: 512 variant alleles.
Comment: Leu2800Leu in exon 52 of OTOG: This variant is not expected to have clinical sig nificance because it does not alter an amino acid residue and is not located wit hin the splice consensus sequence. It has been identified in 58.8% (114/194) of Luhya (Kenyan) chromosomes from a broad population by the 1000 Genomes Project (dbSNP rs2023483).

Breakthrough Genomics
Classification: Benign. Review status: criteria provided, single submitter. Criteria: ACMG Guidelines, 2015. Collection method: not provided. Allele origin: germline. Inheritance: Autosomal recessive inheritance. Affected: yes.

Diagnostic Laboratory, Department of Genetics, University Medical Center Groningen
Classification: Benign. Review status: no assertion criteria provided. Collection method: clinical testing. Allele origin: germline. Affected: yes. Study: VKGL Data-share Consensus. Not counted in ClinVar's aggregate classification.

Joint Genome Diagnostic Labs from Nijmegen and Maastricht, Radboudumc and MUMC+
Classification: Benign. Review status: no assertion criteria provided. Collection method: clinical testing. Allele origin: germline. Affected: yes. Study: VKGL Data-share Consensus. Not counted in ClinVar's aggregate classification.